The following is an entry in ClinVar:

NM_005188.4(CBL):c.2692A>G (p.Ile898Val)

Gene: CBL (Cbl proto-oncogene; plus strand). Cytogenetic location: 11q23.3.
Variant type: single nucleotide variant.
Coding change: c.2692A>G on transcript NM_005188.4 (MANE Select); coding-DNA position 2692, A replaced by G.
Protein change: p.Ile898Val; replaces isoleucine 898 with valine.
Molecular consequence: missense variant.
Genome position (GRCh38, 1-based): chr11:119,299,752, A>G. VCF-style: chr11-119299752-A-G. GRCh37 (hg19) VCF-style: chr11-119170462-A-G.
Other names: p.I898V:ATT>GTT; short protein forms I898V.
Identifiers: ClinVar variation 40428 (VCV000040428.11), dbSNP rs397507499, ClinGen allele CA282058.
Genomic context (GRCh38, chr11:119,299,752, plus strand): 5'-TTGGTCATTGCCCAGAACAACATCGAGATGGCCAAAAACATCCTCCGGGAATTTGTTTCC[A>G]TTTCTTCTCCTGCCCATGTAGCTACCTAGCACACCATCTCCCTGCTGCAGGTTTAGAGGA-3'
Protein context (NP_005179.2, residues 888-906): AKNILREFVS[Ile898Val]SSPAHVAT

ClinVar aggregate classification (germline): Uncertain significance. Review status: criteria provided, multiple submitters, no conflicts (2 of 4 stars). 3 submissions from 3 submitters: Uncertain significance (3). Last evaluated 2025-11-09.

Conditions:
Cardiovascular phenotype. Identifiers: MedGen CN230736.
RASopathy. Also called: rasopathies; Noonan spectrum disorder. Identifiers: Orphanet 536391, MedGen C5555857, MONDO:0021060.

Allele frequency attached by ClinVar (database versions not stated): gnomAD exomes below 0.00001; gnomAD 0.00001; TOPMed 0.00001.
gnomAD v4.1: 6 of 1,613,976 alleles (0.00037%); highest among the groups gnomAD compares: Middle Eastern, 0.016%; no homozygotes.

Submissions (3):

Labcorp Genetics (formerly Invitae), Labcorp
Classification: Uncertain significance for RASopathy. Last evaluated: 2025-11-09. Review status: criteria provided, single submitter. Criteria: Invitae Variant Classification Sherloc (09022015). Collection method: clinical testing. Allele origin: germline.
Comment: This sequence change replaces isoleucine, which is neutral and non-polar, with valine, which is neutral and non-polar, at codon 898 of the CBL protein (p.Ile898Val). This variant is not present in population databases (gnomAD no frequency). This variant has not been reported in the literature in individuals affected with CBL-related conditions. ClinVar contains an entry for this variant (Variation ID: 40428). Invitae Evidence Modeling of protein sequence and biophysical properties (such as structural, functional, and spatial information, amino acid conservation, physicochemical variation, residue mobility, and thermodynamic stability) indicates that this missense variant is not expected to disrupt CBL protein function with a negative predictive value of 95%. In summary, the available evidence is currently insufficient to determine the role of this variant in disease. Therefore, it has been classified as a Variant of Uncertain Significance.

Ambry Genetics
Classification: Uncertain significance for Cardiovascular phenotype. Last evaluated: 2025-01-24. Review status: criteria provided, single submitter. Criteria: Ambry Variant Classification Scheme 2023. Collection method: clinical testing. Allele origin: germline.
Comment: The p.I898V variant (also known as c.2692A>G), located in coding exon 16 of the CBL gene, results from an A to G substitution at nucleotide position 2692. The isoleucine at codon 898 is replaced by valine, an amino acid with highly similar properties. This amino acid position is conserved. In addition, this alteration is predicted to be tolerated by in silico analysis. Based on the available evidence, the clinical significance of this variant remains unclear.

GeneDx
Classification: Uncertain significance. Last evaluated: 2024-05-16. Review status: criteria provided, single submitter. Criteria: GeneDx Variant Classification Process June 2021. Collection method: clinical testing. Allele origin: germline. Affected: yes.
Comment: Not observed at significant frequency in large population cohorts (gnomAD); In silico analysis indicates that this missense variant does not alter protein structure/function; Has not been previously published as pathogenic or benign to our knowledge